The following is an entry in ClinVar:

NM_014264.5(PLK4):c.2433T>C (p.Ser811=)

Gene: PLK4 (polo like kinase 4; plus strand). Cytogenetic location: 4q28.1.
Variant type: single nucleotide variant.
Coding change: c.2433T>C on transcript NM_014264.5 (MANE Select); coding-DNA position 2433, T replaced by C.
Protein change: p.Ser811=; no amino-acid change (serine 811 retained).
Molecular consequence: synonymous variant.
Genome position (GRCh38, 1-based): chr4:127,893,752, T>C. VCF-style: chr4-127893752-T-C. GRCh37 (hg19) VCF-style: chr4-128814907-T-C.
Other names: c.2337T>C, p.Ser779= (NM_001190799.2); c.2310T>C, p.Ser770= (NM_001190801.2).
Identifiers: ClinVar variation 730893 (VCV000730893.13), dbSNP rs146056387, ClinGen allele CA3077064.
Genomic context (GRCh38, chr4:127,893,752, plus strand): 5'-TTGAAAGCTTCAAGGGAATATATTTGGACTTTTCCCCTTCAGAAAACCTGGTAGTACTAG[T>C]TCACCTAAGGCCTTATCACCTCCTCCTTCTGTGGATTCAAATTACCCAACGAGAGAGAGA-3'
Protein context (NP_055079.3, residues 801-821): IIIGRKPGST[Ser811=]SPKALSPPPS

ClinVar aggregate classification (germline): Benign/Likely benign. Review status: criteria provided, multiple submitters, no conflicts (2 of 4 stars). 3 submissions from 3 submitters: Benign (1); Likely benign (1). 1 of the submissions does not count toward it. Last evaluated 2026-01-18.

Conditions:
PLK4-related disorder. Also called: PLK4-related condition.

Allele frequency attached by ClinVar (database versions not stated): gnomAD exomes 0.00013 and 0.00046; ExAC 0.00052; gnomAD 0.00185 and 0.00195; ESP Exome Variant Server 0.00192; TOPMed 0.00197; 1000 Genomes Project 0.00280; 1000 Genomes Project 30x 0.00312.
gnomAD v4.1: 482 of 1,610,182 alleles (0.03%); highest among the groups gnomAD compares: African/African-American, 0.58%; 2 homozygotes.

Submissions (3):

Labcorp Genetics (formerly Invitae), Labcorp
Classification: Benign. Last evaluated: 2026-01-18. Review status: criteria provided, single submitter. Criteria: Invitae Variant Classification Sherloc (09022015). Collection method: clinical testing. Allele origin: germline.

Blueprint Genetics
Classification: Likely benign. Last evaluated: 2024-10-22. Review status: criteria provided, single submitter. Criteria: ACMG Guidelines, 2015. Collection method: clinical testing. Allele origin: germline.

PreventionGenetics, part of Exact Sciences
Classification: Likely benign for PLK4-related condition. Last evaluated: 2019-06-03. Review status: no assertion criteria provided. Collection method: clinical testing. Allele origin: germline. Not counted in ClinVar's aggregate classification.
Comment: This variant is classified as likely benign based on ACMG/AMP sequence variant interpretation guidelines (Richards et al. 2015 PMID: 25741868, with internal and published modifications).